The following is an entry in ClinVar:

NM_001352754.2(ARMC9):c.2093G>A (p.Gly698Asp)

Gene: ARMC9 (armadillo repeat containing 9; plus strand). Cytogenetic location: 2q37.1.
Variant type: single nucleotide variant.
Coding change: c.2093G>A on transcript NM_001352754.2 (MANE Select); coding-DNA position 2093, G replaced by A.
Protein change: p.Gly698Asp; replaces glycine 698 with aspartic acid.
Molecular consequence: missense variant.
Genome position (GRCh38, 1-based): chr2:231,355,896, G>A. VCF-style: chr2-231355896-G-A. GRCh37 (hg19) VCF-style: chr2-232220608-G-A.
Other names: c.2093G>A, p.Gly698Asp (NM_001271466.4); short protein forms G698D.
Identifiers: ClinVar variation 1521872 (VCV001521872.6), dbSNP rs2125590867, ClinGen allele CA350957778.

ClinVar aggregate classification (germline): Uncertain significance (1 of 4 stars; one submission).

Allele frequency attached by ClinVar (database versions not stated): gnomAD exomes below 0.00001.
gnomAD v4.1: 1 of 1,536,130 alleles (0.000065%); highest among the groups gnomAD compares: African/African-American, 0.0014%; no homozygotes.

Submission:

Labcorp Genetics (formerly Invitae), Labcorp
Classification: Uncertain significance. Last evaluated: 2023-10-09. Review status: criteria provided, single submitter. Criteria: Invitae Variant Classification Sherloc (09022015). Collection method: clinical testing. Allele origin: germline.
Comment: This sequence change replaces glycine, which is neutral and non-polar, with aspartic acid, which is acidic and polar, at codon 698 of the ARMC9 protein (p.Gly698Asp). This variant is not present in population databases (gnomAD no frequency). This variant has not been reported in the literature in individuals affected with ARMC9-related conditions. ClinVar contains an entry for this variant (Variation ID: 1521872). Experimental studies and prediction algorithms are not available or were not evaluated, and the functional significance of this variant is currently unknown. In summary, the available evidence is currently insufficient to determine the role of this variant in disease. Therefore, it has been classified as a Variant of Uncertain Significance.